The following is an entry in ClinVar:

ClinVar aggregate classification (germline): Likely pathogenic. Review status: reviewed by expert panel (3 of 4 stars). 2 submissions from 2 submitters: Likely pathogenic (1). 1 of the submissions does not count toward it. Last evaluated 2025-08-01.

Conditions:
Malignant hyperthermia, susceptibility to, 1 (MHS1). Also called: RYR1-Related Malignant Hyperthermia Susceptibility; Anesthesia related hyperthermia; Malignant hyperpyrexia; Fulminating hyperpyrexia; Pharmacogenic myopathy; Malignant hyperthermia suceptibility 1. Identifiers: Orphanet 423, MedGen C2930980, MONDO:0007783, OMIM 145600.

Submissions (2):

ClinGen Malignant Hyperthermia Susceptibility Variant Curation Expert Panel, ClinGen
Classification: Likely pathogenic for Malignant hyperthermia, susceptibility to, 1. Last evaluated: 2025-08-01. Review status: reviewed by expert panel. Criteria: ClinGen MHS ACMG Specifications V2. Collection method: curation. Allele origin: germline. Inheritance: Autosomal dominant inheritance.
Comment: This pathogenicity assessment is relevant only for malignant hyperthermia susceptibility (MHS) inherited in an autosomal dominant pattern. Variants in RYR1 can also cause other myopathies inherited in an autosomal dominant pattern or in an autosomal recessive pattern. Some of these disorders may predispose individuals to malignant hyperthermia. RYR1 variants may also contribute to a malignant hyperthermia reaction in combination with other genetic and non-genetic factors and the clinician needs to consider such factors in making management decisions. This sequence variant predicts a substitution of serine with arginine at codon 2345 of the RYR1 protein, p.Ser2345Arg. This variant was not present in a large population database (gnomAD) at the time this variant was interpreted. This variant has been reported in two unrelated individuals who have a personal or family history of a malignant hyperthermia reaction, two of these individuals had a positive in vitro contracture test (IVCT) or caffeine halothane contracture test (CHCT) result (if the proband was unavailable for testing, a positive diagnostic test result in a mutation-positive relative was counted), PS4_Moderate (PMID:25960145, Valaskova 2013). Functional studies in HEK293 cells show an increased sensitivity to RYR1 agonists, PS3_Moderate (PMID:33490280). This variant resides in a region of RYR1 considered to be a hotspot for pathogenic variants that contribute to MHS, PM1 (PMID: 21118704). A REVEL score of 0.747 supports neither a pathogenic nor a benign status for this variant. This variant has been classified as Likely Pathogenic. Criteria implemented: PS4_Moderate, PS3_Moderate, PM1.

GeneDx
Classification: Pathogenic. Last evaluated: 2023-09-13. Review status: criteria provided, single submitter. Criteria: GeneDx Variant Classification Process June 2021. Collection method: clinical testing. Allele origin: germline. Affected: yes. Not counted in ClinVar's aggregate classification.
Comment: Not observed at significant frequency in large population cohorts (gnomAD); In silico analysis supports that this missense variant has a deleterious effect on protein structure/function; This variant is associated with the following publications: (PMID: 31165076, 12668474, 33767344, 25960145, 32535660, 33135148, 33490280)

NM_000540.3(RYR1):c.7035C>A (p.Ser2345Arg)

Gene: RYR1 (ryanodine receptor 1; plus strand). Cytogenetic location: 19q13.2.
Variant type: single nucleotide variant.
Coding change: c.7035C>A on transcript NM_000540.3 (MANE Select); coding-DNA position 7035, C replaced by A.
Protein change: p.Ser2345Arg; replaces serine 2345 with arginine.
Molecular consequence: missense variant.
Genome position (GRCh38, 1-based): chr19:38,499,642, C>A. VCF-style: chr19-38499642-C-A. GRCh37 (hg19) VCF-style: chr19-38990282-C-A.
Other names: c.7035C>A (NM_000540.2); c.7035C>A, p.Ser2345Arg (NM_001042723.2); short protein forms S2345R.
Identifiers: ClinVar variation 1210320 (VCV001210320.4), dbSNP rs1448949048, ClinGen allele CA405667782.